The following is an entry in ClinVar:

ClinVar aggregate classification (germline): Uncertain significance (1 of 4 stars; one submission).

Conditions:
ASCC1-related disorder. Also called: ASCC1-Related Disorders; ASCC1-related condition.

Submission:

PreventionGenetics, part of Exact Sciences
Classification: Uncertain significance for ASCC1-related condition. Last evaluated: 2026-01-26. Review status: criteria provided, single submitter. Criteria: ACMG Guidelines, 2015. Collection method: clinical testing. Allele origin: germline.
Comment: The ASCC1 c.1040delA variant is predicted to result in a frameshift and premature protein termination (p.Asn347Thrfs*19). To our knowledge, this variant has not been reported in the literature or in a large population database (gnomAD), indicating this variant is rare. No truncating variants downstream of this position have been reported in the literature. Although we suspect that this variant may be pathogenic, at this time, the clinical significance of this variant is uncertain due to the absence of conclusive functional and genetic evidence.

NM_001198800.3(ASCC1):c.1040del (p.Asn347fs)

Gene: ASCC1 (activating signal cointegrator 1 complex subunit 1; minus strand). Cytogenetic location: 10q22.1.
Variant type: Deletion.
Coding change: c.1040del on transcript NM_001198800.3 (MANE Select); coding-DNA position 1040, one base deleted (A; older notation c.1040delA).
Protein change: p.Asn347fs; shifts the reading frame from asparagine 347.
Molecular consequence: frameshift variant. On other transcripts: 3 prime UTR variant (20), non-coding transcript variant (1).
Genome position (GRCh38, 1-based): chr10:72,097,368, T deleted on the plus strand (A on the coding strand, the reverse complement: ASCC1 is on the minus strand); the first of 3 consecutive T bases (chr10:72,097,368-72,097,370); deleting any one gives the same sequence. VCF-style (leftmost placement, unchanged base first): chr10-72097367-GT-G. GRCh37 (hg19) VCF-style: chr10-73857125-GT-G.
Other names: c.*75del (NM_001369096.1, NM_001369097.1, NM_001369098.1 and 11 more transcripts); c.986del, p.Asn329fs (NM_001369099.1); c.*118del (NM_001369100.1, NM_001198799.3, NM_001369085.1 and 3 more transcripts); c.923del, p.Asn308fs (NM_001369105.1, NM_001369106.1, NM_001369107.1); c.920del, p.Asn307fs (NM_001369108.1, NM_001369109.1); c.1040del, p.Asn347fs (NM_001198798.2, NM_001369093.1, NM_001369094.1 and 1 more transcripts); short protein forms N307fs, N308fs, N347fs, N329fs.
Identifiers: ClinVar variation 4986512 (VCV004986512.1).
Genomic context (GRCh38, chr10:72,097,367, plus strand): 5'-AGTTTCTAGTGCTTTCCAAGATCCACCTCAGGAGAAGTCAATTTGTCCACAGGAAGCGTA[GT>G]TTCCAAAGCTGTCTACGGTGAACCTCTGAGAGATGTGAATTGAATTCAGCTTTAGGGAGC-3'